The following is an entry in ClinVar:

ClinVar aggregate classification (germline): Likely benign. Review status: criteria provided, multiple submitters, no conflicts (2 of 4 stars). 3 submissions from 3 submitters: Likely benign (2). 1 of the submissions does not count toward it. Last evaluated 2026-08-01.

Conditions:
HHAT-related disorder. Also called: HHAT-related condition.

Allele frequency attached by ClinVar (database versions not stated): 1000 Genomes Project 0.00260; 1000 Genomes Project 30x 0.00265; TOPMed 0.00359; gnomAD 0.00410 and 0.00418; gnomAD exomes 0.00464 and 0.00617; ESP Exome Variant Server 0.00484; ExAC 0.00503.
gnomAD v4.1: 9,523 of 1,614,116 alleles (0.59%); highest among the groups gnomAD compares: Non-Finnish European, 0.73%; 33 homozygotes.

Submissions (3):

CeGaT Center for Human Genetics Tuebingen
Classification: Likely benign. Last evaluated: 2026-08-01. Review status: criteria provided, single submitter. Criteria: CeGaT Center For Human Genetics Tuebingen Variant Classification Criteria Version 2. Collection method: clinical testing. Allele origin: germline. Affected: yes. Observed: 4 variant alleles.
Comment: HHAT: BS2

Labcorp Genetics (formerly Invitae), Labcorp
Classification: Likely benign. Last evaluated: 2026-01-26. Review status: criteria provided, single submitter. Criteria: Invitae Variant Classification Sherloc (09022015). Collection method: clinical testing. Allele origin: germline.

PreventionGenetics, part of Exact Sciences
Classification: Likely benign for HHAT-related condition. Last evaluated: 2019-03-12. Review status: no assertion criteria provided. Collection method: clinical testing. Allele origin: germline. Not counted in ClinVar's aggregate classification.
Comment: This variant is classified as likely benign based on ACMG/AMP sequence variant interpretation guidelines (Richards et al. 2015 PMID: 25741868, with internal and published modifications).

NM_018194.6(HHAT):c.1112C>T (p.Thr371Ile)

Gene: HHAT (hedgehog acyltransferase; plus strand). Cytogenetic location: 1q32.2.
Variant type: single nucleotide variant.
Coding change: c.1112C>T on transcript NM_018194.6 (MANE Select); coding-DNA position 1112, C replaced by T.
Protein change: p.Thr371Ile; replaces threonine 371 with isoleucine.
Molecular consequence: missense variant.
Genome position (GRCh38, 1-based): chr1:210,587,966, C>T. VCF-style: chr1-210587966-C-T. GRCh37 (hg19) VCF-style: chr1-210761310-C-T.
Other names: c.1112C>T, p.Thr371Ile (NM_001122834.4, NM_001170580.3); c.701C>T, p.Thr234Ile (NM_001170564.3); c.1115C>T, p.Thr372Ile (NM_001170587.3); c.917C>T, p.Thr306Ile (NM_001170588.3); short protein forms T306I, T371I, T372I, T234I.
Identifiers: ClinVar variation 782083 (VCV000782083.35), dbSNP rs149597734, ClinGen allele CA1379370.